The following is an entry in ClinVar:

NM_006231.4(POLE):c.6330+2T>A

Gene: POLE (DNA polymerase epsilon, catalytic subunit; minus strand). Cytogenetic location: 12q24.33.
Variant type: single nucleotide variant.
Coding change: c.6330+2T>A on transcript NM_006231.4 (MANE Select); the canonical splice donor site of the intron after coding-DNA position 6330, T replaced by A.
Molecular consequence: splice donor variant.
Genome position (GRCh38, 1-based): chr12:132,632,313, A>T on the plus strand (T>A on the coding strand, the complement: POLE is on the minus strand). VCF-style: chr12-132632313-A-T. GRCh37 (hg19) VCF-style: chr12-133208899-A-T.
Identifiers: ClinVar variation 1057852 (VCV001057852.9), dbSNP rs2138459040, ClinGen allele CA387369139.

ClinVar aggregate classification (germline): Likely pathogenic (1 of 4 stars; one submission).

Submission:

Labcorp Genetics (formerly Invitae), Labcorp
Classification: Likely pathogenic. Last evaluated: 2022-05-12. Review status: criteria provided, single submitter. Criteria: Invitae Variant Classification Sherloc (09022015). Collection method: clinical testing. Allele origin: germline.
Comment: This variant has not been reported in the literature in individuals affected with POLE-related conditions. This sequence change affects a donor splice site in intron 45 of the POLE gene. It is expected to disrupt RNA splicing. Variants that disrupt the donor or acceptor splice site typically lead to a loss of protein function (PMID: 16199547), and loss-of-function variants in POLE are known to be pathogenic (PMID: 23230001, 25948378, 30503519). This variant is not present in population databases (gnomAD no frequency). ClinVar contains an entry for this variant (Variation ID: 1057852). Algorithms developed to predict the effect of sequence changes on RNA splicing suggest that this variant may disrupt the consensus splice site. In summary, the currently available evidence indicates that the variant is pathogenic, but additional data are needed to prove that conclusively. Therefore, this variant has been classified as Likely Pathogenic.

Literature cited by the submitters: PubMed 16199547; PubMed 23230001; PubMed 25948378; PubMed 30503519.